The following is an entry in ClinVar:

NM_002637.4(PHKA1):c.2033C>A (p.Ala678Asp)

Gene: PHKA1 (phosphorylase kinase regulatory subunit alpha 1; minus strand). Cytogenetic location: Xq13.1.
Variant type: single nucleotide variant.
Coding change: c.2033C>A on transcript NM_002637.4 (MANE Select); coding-DNA position 2033, C replaced by A.
Protein change: p.Ala678Asp; replaces alanine 678 with aspartic acid.
Molecular consequence: missense variant. On other transcripts: intron variant (1).
Genome position (GRCh38, 1-based): chrX:72,620,829, G>T on the plus strand (C>A on the coding strand, the complement: PHKA1 is on the minus strand). VCF-style: chrX-72620829-G-T. GRCh37 (hg19) VCF-style: chrX-71840679-G-T.
Other names: c.2033C>A, p.Ala678Asp (NM_001122670.2); c.1961-1524C>A (NM_001172436.2); short protein forms A678D.
Identifiers: ClinVar variation 1424182 (VCV001424182.8), dbSNP rs1247275284, ClinGen allele CA413591109.

ClinVar aggregate classification (germline): Uncertain significance (1 of 4 stars; one submission).

Conditions:
Glycogen storage disease IXd (GSD9D). Also called: GSD IXd; Muscle Phosphorylase Kinase Deficiency. Identifiers: Orphanet 715, MedGen C1845151, MONDO:0010362, OMIM 300559.

Allele frequency attached by ClinVar (database versions not stated): gnomAD exomes below 0.00001.
gnomAD v4.1: 1 of 1,210,278 alleles (0.000083%); highest among the groups gnomAD compares: African/African-American, 0.0017%; no homozygotes.

Submission:

Labcorp Genetics (formerly Invitae), Labcorp
Classification: Uncertain significance for Glycogen storage disease IXd. Last evaluated: 2021-03-15. Review status: criteria provided, single submitter. Criteria: Invitae Variant Classification Sherloc (09022015). Collection method: clinical testing. Allele origin: germline.
Comment: In summary, the available evidence is currently insufficient to determine the role of this variant in disease. Therefore, it has been classified as a Variant of Uncertain Significance. Algorithms developed to predict the effect of missense changes on protein structure and function (SIFT, PolyPhen-2, Align-GVGD) all suggest that this variant is likely to be tolerated, but these predictions have not been confirmed by published functional studies and their clinical significance is uncertain. This variant has not been reported in the literature in individuals with PHKA1-related conditions. This variant is not present in population databases (ExAC no frequency). This sequence change replaces alanine with aspartic acid at codon 678 of the PHKA1 protein (p.Ala678Asp). The alanine residue is moderately conserved and there is a moderate physicochemical difference between alanine and aspartic acid.